The following is an entry in ClinVar:

NM_001684.5(ATP2B4):c.753C>G (p.Asp251Glu)

Gene: ATP2B4 (ATPase plasma membrane Ca2+ transporting 4; plus strand). Cytogenetic location: 1q32.1.
Variant type: single nucleotide variant.
Coding change: c.753C>G on transcript NM_001684.5 (MANE Select); coding-DNA position 753, C replaced by G.
Protein change: p.Asp251Glu; replaces aspartic acid 251 with glutamic acid.
Molecular consequence: missense variant.
Genome position (GRCh38, 1-based): chr1:203,700,309, C>G. VCF-style: chr1-203700309-C-G. GRCh37 (hg19) VCF-style: chr1-203669437-C-G.
Other names: c.753C>G, p.Asp251Glu (NM_001001396.3, NM_001365783.2, NM_001365784.2); short protein forms D251E.
Identifiers: ClinVar variation 2693838 (VCV002693838.3), dbSNP rs144182897, ClinGen allele CA344310256.

ClinVar aggregate classification (germline): Uncertain significance (1 of 4 stars; one submission).

gnomAD v4.1: 7 of 1,613,556 alleles (0.00043%); highest among the groups gnomAD compares: Non-Finnish European, 0.00059%; no homozygotes.

Submission:

Labcorp Genetics (formerly Invitae), Labcorp
Classification: Uncertain significance. Last evaluated: 2022-12-05. Review status: criteria provided, single submitter. Criteria: Invitae Variant Classification Sherloc (09022015). Collection method: clinical testing. Allele origin: germline.
Comment: In summary, the available evidence is currently insufficient to determine the role of this variant in disease. Therefore, it has been classified as a Variant of Uncertain Significance. Advanced modeling of protein sequence and biophysical properties (such as structural, functional, and spatial information, amino acid conservation, physicochemical variation, residue mobility, and thermodynamic stability) performed at Invitae indicates that this missense variant is not expected to disrupt ATP2B4 protein function. This variant has not been reported in the literature in individuals affected with ATP2B4-related conditions. This variant is present in population databases (no rsID available, gnomAD 0.0009%). This sequence change replaces aspartic acid, which is acidic and polar, with glutamic acid, which is acidic and polar, at codon 251 of the ATP2B4 protein (p.Asp251Glu).